The following is an entry in ClinVar:

ClinVar aggregate classification (germline): Uncertain significance (1 of 4 stars; one submission).

Submission:

CeGaT Center for Human Genetics Tuebingen
Classification: Uncertain significance. Last evaluated: 2022-09-01. Review status: criteria provided, single submitter. Criteria: CeGaT Center For Human Genetics Tuebingen Variant Classification Criteria Version 2. Collection method: clinical testing. Allele origin: germline. Affected: yes. Observed: 1 variant allele.
Comment: DMXL2: PM2, PP3

NM_001378457.1(DMXL2):c.6187G>A (p.Glu2063Lys)

Gene: DMXL2 (Dmx like 2; minus strand). Cytogenetic location: 15q21.2.
Variant type: single nucleotide variant.
Coding change: c.6187G>A on transcript NM_001378457.1 (MANE Select); coding-DNA position 6187, G replaced by A.
Protein change: p.Glu2063Lys; replaces glutamic acid 2063 with lysine.
Molecular consequence: missense variant. On other transcripts: non-coding transcript variant (2).
Genome position (GRCh38, 1-based): chr15:51,480,919, C>T on the plus strand (G>A on the coding strand, the complement: DMXL2 is on the minus strand). VCF-style: chr15-51480919-C-T. GRCh37 (hg19) VCF-style: chr15-51773116-C-T.
Other names: c.6187G>A, p.Glu2063Lys (NM_001174116.3, NM_001378458.1, NM_001378459.1 and 4 more transcripts); c.4279G>A, p.Glu1427Lys (NM_001174117.3); c.4168G>A, p.Glu1390Lys (NM_001378460.1); c.5947G>A, p.Glu1983Lys (NM_001378464.1); short protein forms E1390K, E1427K, E1983K, E2063K.
Identifiers: ClinVar variation 2645342 (VCV002645342.24), dbSNP rs2548447072, ClinGen allele CA392444168.
Genomic context (GRCh38, chr15:51,480,919, plus strand): 5'-CAGCAATTTCCTTTTCAAGCCAGTTATAGAGTTGAAATCTGAGTTTTCCTCCATCTACTT[C>T]ATAACCTGTAGCCAATGTTCTTAATTCAGTCATAAGGATCTTTAAACAAGCTCTGAATTT-3'
Protein context (NP_001365386.1, residues 2053-2073): TELRTLATGY[Glu2063Lys]VDGGKLRFQL